The following is an entry in ClinVar:

ClinVar aggregate classification (germline): Uncertain significance (1 of 4 stars; one submission).

Conditions:
Hermansky-Pudlak syndrome 2 (HPS2). Also called: Platelet defects and oculocutaneous albinism. Identifiers: Orphanet 183678, Orphanet 79430, MedGen C1842362, MONDO:0011997, OMIM 608233.

Submission:

Labcorp Genetics (formerly Invitae), Labcorp
Classification: Uncertain significance for Hermansky-Pudlak syndrome 2. Last evaluated: 2025-03-18. Review status: criteria provided, single submitter. Criteria: Invitae Variant Classification Sherloc (09022015). Collection method: clinical testing. Allele origin: germline.
Comment: This sequence change replaces alanine, which is neutral and non-polar, with threonine, which is neutral and polar, at codon 422 of the AP3B1 protein (p.Ala422Thr). This variant is not present in population databases (gnomAD no frequency). This variant has not been reported in the literature in individuals affected with AP3B1-related conditions. ClinVar contains an entry for this variant (Variation ID: 2011577). An algorithm developed to predict the effect of missense changes on protein structure and function (PolyPhen-2) suggests that this variant is likely to be disruptive. In summary, the available evidence is currently insufficient to determine the role of this variant in disease. Therefore, it has been classified as a Variant of Uncertain Significance.

NM_003664.5(AP3B1):c.1264G>A (p.Ala422Thr)

Gene: AP3B1 (adaptor related protein complex 3 subunit beta 1; minus strand). Cytogenetic location: 5q14.1.
Variant type: single nucleotide variant.
Coding change: c.1264G>A on transcript NM_003664.5 (MANE Select); coding-DNA position 1264, G replaced by A.
Protein change: p.Ala422Thr; replaces alanine 422 with threonine.
Molecular consequence: missense variant.
Genome position (GRCh38, 1-based): chr5:78,162,918, C>T on the plus strand (G>A on the coding strand, the complement: AP3B1 is on the minus strand). VCF-style: chr5-78162918-C-T. GRCh37 (hg19) VCF-style: chr5-77458742-C-T.
Other names: c.1117G>A, p.Ala373Thr (NM_001271769.2); c.1264G>A, p.Ala422Thr (NM_001410752.1); short protein forms A373T, A422T.
Identifiers: ClinVar variation 2011577 (VCV002011577.4), dbSNP rs754014514, ClinGen allele CA360190097.